The following is an entry in ClinVar:

NM_080476.5(PIGU):c.530-3C>A

Gene: PIGU (phosphatidylinositol glycan anchor biosynthesis class U; minus strand). Cytogenetic location: 20q11.22.
Variant type: single nucleotide variant.
Coding change: c.530-3C>A on transcript NM_080476.5 (MANE Select); 3 bases into the intron before coding-DNA position 530, C replaced by A.
Molecular consequence: intron variant.
Genome position (GRCh38, 1-based): chr20:34,616,142, G>T on the plus strand (C>A on the coding strand, the complement: PIGU is on the minus strand). VCF-style: chr20-34616142-G-T. GRCh37 (hg19) VCF-style: chr20-33203946-G-T.
Identifiers: ClinVar variation 2434850 (VCV002434850.6), dbSNP rs774756060, ClinGen allele CA9822632.

ClinVar aggregate classification (germline): Uncertain significance. Review status: criteria provided, multiple submitters, no conflicts (2 of 4 stars). 2 submissions from 2 submitters: Uncertain significance (2). Last evaluated 2023-11-03.

Conditions:
Glycosylphosphatidylinositol biosynthesis defect 21. Also called: NEURODEVELOPMENTAL DISORDER WITH BRAIN ANOMALIES, SEIZURES, AND SCOLIOSIS. Identifiers: MedGen C5231419, MONDO:0032824, OMIM 618590.

Allele frequency attached by ClinVar (database versions not stated): ExAC 0.00002; TOPMed 0.00002; gnomAD 0.00003.
gnomAD v4.1: 8 of 1,611,732 alleles (0.0005%); highest among the groups gnomAD compares: Admixed American, 0.013%; no homozygotes.

Submissions (2):

Labcorp Genetics (formerly Invitae), Labcorp
Classification: Uncertain significance. Last evaluated: 2023-11-03. Review status: criteria provided, single submitter. Criteria: Invitae Variant Classification Sherloc (09022015). Collection method: clinical testing. Allele origin: germline.
Comment: This sequence change falls in intron 6 of the PIGU gene. It does not directly change the encoded amino acid sequence of the PIGU protein. It affects a nucleotide within the consensus splice site. This variant is present in population databases (rs774756060, gnomAD 0.009%). This variant has not been reported in the literature in individuals affected with PIGU-related conditions. ClinVar contains an entry for this variant (Variation ID: 2434850). Variants that disrupt the consensus splice site are a relatively common cause of aberrant splicing (PMID: 17576681, 9536098). Algorithms developed to predict the effect of sequence changes on RNA splicing suggest that this variant may disrupt the consensus splice site. In summary, the available evidence is currently insufficient to determine the role of this variant in disease. Therefore, it has been classified as a Variant of Uncertain Significance.

Revvity Omics, Revvity
Classification: Uncertain significance for Glycosylphosphatidylinositol biosynthesis defect 21. Last evaluated: 2021-06-27. Review status: criteria provided, single submitter. Criteria: ACMG Guidelines, 2015. Collection method: clinical testing. Allele origin: germline.

Literature cited by the submitters: PubMed 17576681 (cited by Labcorp Genetics (formerly Invitae), Labcorp); PubMed 9536098 (cited by Labcorp Genetics (formerly Invitae), Labcorp).